The following is an entry in ClinVar:

ClinVar aggregate classification (germline): Uncertain significance. Review status: criteria provided, multiple submitters, no conflicts (2 of 4 stars). 2 submissions from 2 submitters: Uncertain significance (2). Last evaluated 2024-10-03.

Conditions:
Inborn genetic diseases. Identifiers: MedGen C0950123, MeSH D030342.
Familial cold autoinflammatory syndrome 2 (FCAS2). Identifiers: Orphanet 247868, MedGen C2673198, MONDO:0012724, OMIM 611762.

gnomAD v4.1: 1 of 1,614,050 alleles (0.000062%); highest among the groups gnomAD compares: Non-Finnish European, 0.000085%; no homozygotes.

Submissions (2):

Labcorp Genetics (formerly Invitae), Labcorp
Classification: Uncertain significance for Familial cold autoinflammatory syndrome 2. Last evaluated: 2024-10-03. Review status: criteria provided, single submitter. Criteria: Invitae Variant Classification Sherloc (09022015). Collection method: clinical testing. Allele origin: germline.
Comment: This sequence change replaces threonine, which is neutral and polar, with asparagine, which is neutral and polar, at codon 825 of the NLRP12 protein (p.Thr825Asn). This variant is present in population databases (no rsID available, gnomAD 0.0009%). This variant has not been reported in the literature in individuals affected with NLRP12-related conditions. ClinVar contains an entry for this variant (Variation ID: 2320956). Invitae Evidence Modeling of protein sequence and biophysical properties (such as structural, functional, and spatial information, amino acid conservation, physicochemical variation, residue mobility, and thermodynamic stability) indicates that this missense variant is not expected to disrupt NLRP12 protein function with a negative predictive value of 80%. In summary, the available evidence is currently insufficient to determine the role of this variant in disease. Therefore, it has been classified as a Variant of Uncertain Significance.

Ambry Genetics
Classification: Uncertain significance for Inborn genetic diseases. Last evaluated: 2022-10-27. Review status: criteria provided, single submitter. Criteria: Ambry Variant Classification Scheme 2023. Collection method: clinical testing. Allele origin: germline.

NM_144687.4(NLRP12):c.2474C>A (p.Thr825Asn)

Gene: NLRP12 (NLR family pyrin domain containing 12; minus strand). Cytogenetic location: 19q13.42.
Variant type: single nucleotide variant.
Coding change: c.2474C>A on transcript NM_144687.4 (MANE Select); coding-DNA position 2474, C replaced by A.
Protein change: p.Thr825Asn; replaces threonine 825 with asparagine.
Molecular consequence: missense variant.
Genome position (GRCh38, 1-based): chr19:53,804,063, G>T on the plus strand (C>A on the coding strand, the complement: NLRP12 is on the minus strand). VCF-style: chr19-53804063-G-T. GRCh37 (hg19) VCF-style: chr19-54307317-G-T.
Other names: c.2477C>A, p.Thr826Asn (NM_001277126.2); c.2474C>A, p.Thr825Asn (NM_001277129.1); short protein forms T826N, T825N.
Identifiers: ClinVar variation 2320956 (VCV002320956.4), dbSNP rs1467572548, ClinGen allele CA407409535.